The following is an entry in ClinVar:

NM_133259.4(LRPPRC):c.1557dup (p.Asn520fs)

Gene: LRPPRC (leucine rich pentatricopeptide repeat containing; minus strand). Cytogenetic location: 2p21.
Variant type: Duplication.
Coding change: c.1557dup on transcript NM_133259.4 (MANE Select); coding-DNA position 1557, one base duplicated (G; older notation c.1557dupG).
Protein change: p.Asn520fs; shifts the reading frame from asparagine 520.
Molecular consequence: frameshift variant.
Genome position (GRCh38, 1-based): chr2:43,960,566, C duplicated on the plus strand (G on the coding strand, the reverse complement: LRPPRC is on the minus strand); the first of 3 consecutive C bases (chr2:43,960,566-43,960,568); duplicating any one gives the same sequence. VCF-style (leftmost placement, unchanged base first): chr2-43960565-T-TC. GRCh37 (hg19) VCF-style: chr2-44187704-T-TC.
Other names: short protein forms N520fs.
Identifiers: ClinVar variation 1726086 (VCV001726086.2), dbSNP rs2466617245, ClinGen allele CA2580066504.

ClinVar aggregate classification (germline): Likely pathogenic (1 of 4 stars; one submission).

Conditions:
Congenital lactic acidosis, Saguenay-Lac-Saint-Jean type (MC4DN5). Also called: CYTOCHROME c OXIDASE DEFICIENCY, FRENCH CANADIAN TYPE; COX DEFICIENCY, FRENCH CANADIAN TYPE; MITOCHONDRIAL COMPLEX IV DEFICIENCY, NUCLEAR TYPE 5. Identifiers: Orphanet 70472, MedGen C1857355, MONDO:0009069, OMIM 220111.

Submission:

Myriad Genetics, Inc.
Classification: Likely pathogenic for Congenital lactic acidosis, Saguenay-Lac-Saint-Jean type. Last evaluated: 2022-05-18. Review status: criteria provided, single submitter. Criteria: Myriad Women's Health Autosomal Recessive and X-Linked Classification Criteria (2021). Collection method: clinical testing. Allele origin: unknown.
Comment: NM_133259.3(LRPPRC):c.1557dupG(N520Efs*24) is expected to be pathogenic in the context of Leigh syndrome, French-Canadian type. This variant is predicted to lead to an abnormal or absent protein product due to the creation of a premature termination codon in LRPPRC, a gene where loss-of-function variants are known to be pathogenic. Please note: this variant was assessed in the context of healthy population screening.